The following is an entry in ClinVar:

NM_001145358.2(SIN3A):c.3262A>C (p.Asn1088His)

Gene: SIN3A (SIN3 transcription regulator family member A; minus strand). Cytogenetic location: 15q24.2.
Variant type: single nucleotide variant.
Coding change: c.3262A>C on transcript NM_001145358.2 (MANE Select); coding-DNA position 3262, A replaced by C.
Protein change: p.Asn1088His; replaces asparagine 1088 with histidine.
Molecular consequence: missense variant.
Genome position (GRCh38, 1-based): chr15:75,381,639, T>G on the plus strand (A>C on the coding strand, the complement: SIN3A is on the minus strand). VCF-style: chr15-75381639-T-G. GRCh37 (hg19) VCF-style: chr15-75673980-T-G.
Other names: c.3262A>C, p.Asn1088His (NM_001145357.2, NM_001437462.1, NM_001437463.1 and 1 more transcripts); short protein forms N1088H.
Identifiers: ClinVar variation 4761368 (VCV004761368.1).

ClinVar aggregate classification (germline): Uncertain significance (1 of 4 stars; one submission).

Submission:

Labcorp Genetics (formerly Invitae), Labcorp
Classification: Uncertain significance. Last evaluated: 2025-03-20. Review status: criteria provided, single submitter. Criteria: Invitae Variant Classification Sherloc (09022015). Collection method: clinical testing. Allele origin: germline.
Comment: This sequence change replaces asparagine, which is neutral and polar, with histidine, which is basic and polar, at codon 1088 of the SIN3A protein (p.Asn1088His). This variant is not present in population databases (gnomAD no frequency). This variant has not been reported in the literature in individuals affected with SIN3A-related conditions. Invitae Evidence Modeling of protein sequence and biophysical properties (such as structural, functional, and spatial information, amino acid conservation, physicochemical variation, residue mobility, and thermodynamic stability) indicates that this missense variant is not expected to disrupt SIN3A protein function with a negative predictive value of 80%. In summary, the available evidence is currently insufficient to determine the role of this variant in disease. Therefore, it has been classified as a Variant of Uncertain Significance.